The following is an entry in ClinVar:

NM_000051.4(ATM):c.2482A>T (p.Lys828Ter)

Gene: ATM (ATM serine/threonine kinase; plus strand). Cytogenetic location: 11q22.3.
Variant type: single nucleotide variant.
Coding change: c.2482A>T on transcript NM_000051.4 (MANE Select); coding-DNA position 2482, A replaced by T.
Protein change: p.Lys828Ter; replaces lysine 828 with a stop codon.
Molecular consequence: nonsense.
Genome position (GRCh38, 1-based): chr11:108,267,186, A>T. VCF-style: chr11-108267186-A-T. GRCh37 (hg19) VCF-style: chr11-108137913-A-T.
Other names: c.2482A>T, p.Lys828Ter (NM_001351834.2); short protein forms K828*.
Identifiers: ClinVar variation 3648415 (VCV003648415.2).

ClinVar aggregate classification (germline): Pathogenic (1 of 4 stars; one submission).

Conditions:
Ataxia-telangiectasia syndrome (AT). Also called: ATAXIA-TELANGIECTASIA, COMPLEMENTATION GROUP A; ATAXIA-TELANGIECTASIA, FRESNO VARIANT; LOUIS-BAR SYNDROME; Ataxia-telangiectasia, complementation group D; Ataxia-telangiectasia, complementation group E; Cerebello-oculocutaneous telangiectasia. Identifiers: Orphanet 100, MedGen C0004135, MONDO:0008840, OMIM 208900.

Submission:

Labcorp Genetics (formerly Invitae), Labcorp
Classification: Pathogenic for Ataxia-telangiectasia syndrome. Last evaluated: 2024-04-02. Review status: criteria provided, single submitter. Criteria: Invitae Variant Classification Sherloc (09022015). Collection method: clinical testing. Allele origin: germline.
Comment: This sequence change creates a premature translational stop signal (p.Lys828*) in the ATM gene. It is expected to result in an absent or disrupted protein product. Loss-of-function variants in ATM are known to be pathogenic (PMID: 23807571, 25614872). This variant is not present in population databases (gnomAD no frequency). This premature translational stop signal has been observed in individual(s) with ataxia telangiectasia (PMID: 35586824). For these reasons, this variant has been classified as Pathogenic.

Literature cited by the submitters: PubMed 23807571; PubMed 25614872; PubMed 35586824.